The following is an entry in ClinVar:

ClinVar aggregate classification (germline): Uncertain significance (1 of 4 stars; one submission).

Conditions:
Developmental and epileptic encephalopathy, 12 (DEE12). Identifiers: MedGen C3150988, MONDO:0013389, OMIM 613722.

Submission:

Labcorp Genetics (formerly Invitae), Labcorp
Classification: Uncertain significance for Developmental and epileptic encephalopathy, 12. Last evaluated: 2020-08-10. Review status: criteria provided, single submitter. Criteria: Invitae Variant Classification Sherloc (09022015). Collection method: clinical testing. Allele origin: germline.
Comment: This variant has not been reported in the literature in individuals with PNKP-related conditions. Algorithms developed to predict the effect of missense changes on protein structure and function are either unavailable or do not agree on the potential impact of this missense change (SIFT: "Deleterious"; PolyPhen-2: "Possibly Damaging"; Align-GVGD: "Class C0"). In summary, the available evidence is currently insufficient to determine the role of this variant in disease. Therefore, it has been classified as a Variant of Uncertain Significance. This sequence change replaces cysteine with tryptophan at codon 516 of the PNKP protein (p.Cys516Trp). The cysteine residue is weakly conserved and there is a large physicochemical difference between cysteine and tryptophan. This variant is not present in population databases (ExAC no frequency).

NM_007254.4(PNKP):c.1548C>G (p.Cys516Trp)

Gene: PNKP (polynucleotide kinase 3'-phosphatase; minus strand). Cytogenetic location: 19q13.33.
Variant type: single nucleotide variant.
Coding change: c.1548C>G on transcript NM_007254.4 (MANE Select); coding-DNA position 1548, C replaced by G.
Protein change: p.Cys516Trp; replaces cysteine 516 with tryptophan.
Molecular consequence: missense variant.
Genome position (GRCh38, 1-based): chr19:49,861,266, G>C on the plus strand (C>G on the coding strand, the complement: PNKP is on the minus strand). VCF-style: chr19-49861266-G-C. GRCh37 (hg19) VCF-style: chr19-50364523-G-C.
Other names: short protein forms C516W.
Identifiers: ClinVar variation 1034804 (VCV001034804.9), dbSNP rs745579629, ClinGen allele CA406932378.